The following is an entry in ClinVar:

NM_001113378.2(FANCI):c.2511G>C (p.Glu837Asp)

Gene: FANCI (FA complementation group I; plus strand). Cytogenetic location: 15q26.1.
Variant type: single nucleotide variant.
Coding change: c.2511G>C on transcript NM_001113378.2 (MANE Select); coding-DNA position 2511, G replaced by C.
Protein change: p.Glu837Asp; replaces glutamic acid 837 with aspartic acid.
Molecular consequence: missense variant. On other transcripts: intron variant (1).
Genome position (GRCh38, 1-based): chr15:89,294,969, G>C. VCF-style: chr15-89294969-G-C. GRCh37 (hg19) VCF-style: chr15-89838200-G-C.
Other names: c.2232G>C, p.Glu744Asp (NM_001376910.1); c.2511G>C, p.Glu837Asp (NM_001376911.1); c.2456+972G>C (NM_018193.3); short protein forms E744D, E837D.
Identifiers: ClinVar variation 1062787 (VCV001062787.9), dbSNP rs2151754914, ClinGen allele CA393750756.

ClinVar aggregate classification (germline): Uncertain significance (1 of 4 stars; one submission).

Conditions:
Fanconi anemia (FA). Also called: Fanconi's anemia. Identifiers: Orphanet 84, MedGen C0015625, MeSH D005199, MONDO:0019391.

gnomAD v4.1: 1 of 1,552,316 alleles (0.000064%); highest among the groups gnomAD compares: Non-Finnish European, 0.000087%; no homozygotes.

Submission:

Labcorp Genetics (formerly Invitae), Labcorp
Classification: Uncertain significance for Fanconi anemia. Last evaluated: 2024-04-30. Review status: criteria provided, single submitter. Criteria: Invitae Variant Classification Sherloc (09022015). Collection method: clinical testing. Allele origin: germline.
Comment: This sequence change replaces glutamic acid, which is acidic and polar, with aspartic acid, which is acidic and polar, at codon 837 of the FANCI protein (p.Glu837Asp). This variant is not present in population databases (gnomAD no frequency). This variant has not been reported in the literature in individuals affected with FANCI-related conditions. ClinVar contains an entry for this variant (Variation ID: 1062787). Algorithms developed to predict the effect of missense changes on protein structure and function output the following: SIFT: "Not Available"; PolyPhen-2: "Benign"; Align-GVGD: "Not Available". The aspartic acid amino acid residue is found in multiple mammalian species, which suggests that this missense change does not adversely affect protein function. In summary, the available evidence is currently insufficient to determine the role of this variant in disease. Therefore, it has been classified as a Variant of Uncertain Significance.